The following is an entry in ClinVar:

NM_030665.4(RAI1):c.4129G>T (p.Gly1377Trp)

Gene: RAI1 (retinoic acid induced 1; plus strand). Cytogenetic location: 17p11.2.
Variant type: single nucleotide variant.
Coding change: c.4129G>T on transcript NM_030665.4 (MANE Select); coding-DNA position 4129, G replaced by T.
Protein change: p.Gly1377Trp; replaces glycine 1377 with tryptophan.
Molecular consequence: missense variant.
Genome position (GRCh38, 1-based): chr17:17,797,077, G>T. VCF-style: chr17-17797077-G-T. GRCh37 (hg19) VCF-style: chr17-17700391-G-T.
Other names: short protein forms G1377W.
Identifiers: ClinVar variation 2956312 (VCV002956312.3), dbSNP rs767828696, ClinGen allele CA398555777.

ClinVar aggregate classification (germline): Uncertain significance (1 of 4 stars; one submission).

gnomAD v4.1: 1 of 1,614,008 alleles (0.000062%); highest among the groups gnomAD compares: Non-Finnish European, 0.000085%; no homozygotes.

Submission:

Labcorp Genetics (formerly Invitae), Labcorp
Classification: Uncertain significance. Last evaluated: 2023-03-27. Review status: criteria provided, single submitter. Criteria: Invitae Variant Classification Sherloc (09022015). Collection method: clinical testing. Allele origin: germline.
Comment: This sequence change replaces glycine, which is neutral and non-polar, with tryptophan, which is neutral and slightly polar, at codon 1377 of the RAI1 protein (p.Gly1377Trp). This variant is not present in population databases (gnomAD no frequency). This variant has not been reported in the literature in individuals affected with RAI1-related conditions. Advanced modeling of protein sequence and biophysical properties (such as structural, functional, and spatial information, amino acid conservation, physicochemical variation, residue mobility, and thermodynamic stability) performed at Invitae indicates that this missense variant is not expected to disrupt RAI1 protein function. In summary, the available evidence is currently insufficient to determine the role of this variant in disease. Therefore, it has been classified as a Variant of Uncertain Significance.